The following is an entry in ClinVar:

ClinVar aggregate classification (germline): Uncertain significance (1 of 4 stars; one submission).

gnomAD v4.1: 1 of 1,613,846 alleles (0.000062%); highest among the groups gnomAD compares: Non-Finnish European, 0.000085%; no homozygotes.

Submission:

CeGaT Center for Human Genetics Tuebingen
Classification: Uncertain significance. Last evaluated: 2025-11-01. Review status: criteria provided, single submitter. Criteria: CeGaT Center For Human Genetics Tuebingen Variant Classification Criteria Version 2. Collection method: clinical testing. Allele origin: germline. Affected: yes. Observed: 1 variant allele.
Comment: PPARGC1A: PM2

NM_013261.5(PPARGC1A):c.1580G>C (p.Gly527Ala)

Gene: PPARGC1A (PPARG coactivator 1 alpha; minus strand). Cytogenetic location: 4p15.2.
Variant type: single nucleotide variant.
Coding change: c.1580G>C on transcript NM_013261.5 (MANE Select); coding-DNA position 1580, G replaced by C.
Protein change: p.Gly527Ala; replaces glycine 527 with alanine.
Molecular consequence: missense variant. On other transcripts: non-coding transcript variant (7).
Genome position (GRCh38, 1-based): chr4:23,813,903, C>G on the plus strand (G>C on the coding strand, the complement: PPARGC1A is on the minus strand). VCF-style: chr4-23813903-C-G. GRCh37 (hg19) VCF-style: chr4-23815526-C-G.
Other names: c.1595G>C, p.Gly532Ala (NM_001330751.2, NM_001354825.2, NM_001354827.2); c.1544G>C, p.Gly515Ala (NM_001330752.2); c.1199G>C, p.Gly400Ala (NM_001330753.2, NM_001354826.2); short protein forms G400A, G515A, G527A, G532A.
Identifiers: ClinVar variation 4535300 (VCV004535300.6).